The following is an entry in ClinVar:

ClinVar aggregate classification (germline): Likely benign (1 of 4 stars; one submission).

Allele frequency attached by ClinVar (database versions not stated): 1000 Genomes Project 0.00799; 1000 Genomes Project 30x 0.00828; TOPMed 0.02101; gnomAD 0.02148 and 0.02189.
gnomAD v4.1: 3,255 of 152,306 alleles (2.1%); highest among the groups gnomAD compares: Non-Finnish European, 3.7%; 58 homozygotes.

Submission:

GeneDx
Classification: Likely benign. Last evaluated: 2018-06-19. Review status: criteria provided, single submitter. Criteria: GeneDx Variant Classification (06012015). Collection method: clinical testing. Allele origin: germline. Affected: yes.
Comment: This variant is considered likely benign or benign based on one or more of the following criteria: it is a conservative change, it occurs at a poorly conserved position in the protein, it is predicted to be benign by multiple in silico algorithms, and/or has population frequency not consistent with disease.

NM_000218.3(KCNQ1):c.1252-311C>T

Gene: KCNQ1 (potassium voltage-gated channel subfamily Q member 1; plus strand). Cytogenetic location: 11p15.5.
Variant type: single nucleotide variant.
Coding change: c.1252-311C>T on transcript NM_000218.3 (MANE Select); 311 bases into the intron before coding-DNA position 1252, C replaced by T.
Molecular consequence: intron variant.
Genome position (GRCh38, 1-based): chr11:2,588,402, C>T. VCF-style: chr11-2588402-C-T. GRCh37 (hg19) VCF-style: chr11-2609632-C-T.
Other names: c.982-311C>T (NM_001406837.1); c.1156-311C>T (NM_001406836.1); c.712-311C>T (NM_001406838.1); c.871-311C>T (NM_181798.2).
Identifiers: ClinVar variation 680997 (VCV000680997.3), dbSNP rs112193996, ClinGen allele CA13567383.